The following is an entry in ClinVar:

ClinVar aggregate classification (germline): Uncertain significance (1 of 4 stars; one submission).

Conditions:
ARID1A-related disorder. Also called: ARID1A-related condition.

Allele frequency attached by ClinVar (database versions not stated): gnomAD exomes 0.00001.
gnomAD v4.1: 3 of 1,331,834 alleles (0.00023%); highest among the groups gnomAD compares: Non-Finnish European, 0.00029%; no homozygotes.

Submission:

PreventionGenetics, part of Exact Sciences
Classification: Uncertain significance for ARID1A-related condition. Last evaluated: 2022-10-28. Review status: criteria provided, single submitter. Criteria: ACMG Guidelines, 2015. Collection method: clinical testing. Allele origin: germline.
Comment: The ARID1A c.4729A>G variant is predicted to result in the amino acid substitution p.Ser1577Gly. To our knowledge, this variant has not been reported in the literature or in a large population database, indicating this variant is rare. At this time, the clinical significance of this variant is uncertain due to the absence of conclusive functional and genetic evidence.

NM_006015.6(ARID1A):c.4729A>G (p.Ser1577Gly)

Gene: ARID1A (AT-rich interaction domain 1A; plus strand). Cytogenetic location: 1p36.11.
Variant type: single nucleotide variant.
Coding change: c.4729A>G on transcript NM_006015.6 (MANE Select); coding-DNA position 4729, A replaced by G.
Protein change: p.Ser1577Gly; replaces serine 1577 with glycine.
Molecular consequence: missense variant. On other transcripts: intron variant (1).
Genome position (GRCh38, 1-based): chr1:26,774,956, A>G. VCF-style: chr1-26774956-A-G. GRCh37 (hg19) VCF-style: chr1-27101447-A-G.
Other names: c.4102-24A>G (NM_139135.4); short protein forms S1577G.
Identifiers: ClinVar variation 2635179 (VCV002635179.1), dbSNP rs2124121859, ClinGen allele CA339178033.